The following is an entry in ClinVar:

ClinVar aggregate classification (germline): Likely benign (0 of 4 stars; one submission).

Conditions:
Familial cancer of breast. Also called: BREAST CANCER, FAMILIAL; hereditary breast carcinoma; Hereditary breast cancer. Identifiers: Orphanet 227535, MedGen C0346153, MONDO:0016419, OMIM 114480. Disease mechanism: loss of function.

Submission:

Leiden Open Variation Database
Classification: Likely benign for Familial cancer of breast. Last evaluated: 2019-05-13. Review status: no assertion criteria provided. Collection method: curation. Allele origin: germline. Affected: yes.
Comment: Curators: Marc Tischkowitz, Arleen D. Auerbach. Submitter to LOVD: Marc Tischkowitz.

Literature cited by the submitters: PubMed 22310028.

NM_024675.4(PALB2):c.26T>A (p.Leu9His)

Gene: PALB2 (partner and localizer of BRCA2; minus strand). Cytogenetic location: 16p12.2.
Variant type: single nucleotide variant.
Coding change: c.26T>A on transcript NM_024675.4 (MANE Select); coding-DNA position 26, T replaced by A.
Protein change: p.Leu9His; replaces leucine 9 with histidine.
Molecular consequence: missense variant.
Genome position (GRCh38, 1-based): chr16:23,641,132, A>T on the plus strand (T>A on the coding strand, the complement: PALB2 is on the minus strand). VCF-style: chr16-23641132-A-T. GRCh37 (hg19) VCF-style: chr16-23652453-A-T.
Other names: short protein forms L9H.
Identifiers: ClinVar variation 126674 (VCV000126674.3), dbSNP rs515726092, ClinGen allele CA269558.